The following is an entry in ClinVar:

NM_000066.4(C8B):c.966G>A (p.Lys322=)

Gene: C8B (complement C8 beta chain; minus strand). Cytogenetic location: 1p32.2.
Variant type: single nucleotide variant.
Coding change: c.966G>A on transcript NM_000066.4 (MANE Select); coding-DNA position 966, G replaced by A.
Protein change: p.Lys322=; no amino-acid change (lysine 322 retained).
Molecular consequence: synonymous variant.
Genome position (GRCh38, 1-based): chr1:56,945,960, C>T on the plus strand (G>A on the coding strand, the complement: C8B is on the minus strand). VCF-style: chr1-56945960-C-T. GRCh37 (hg19) VCF-style: chr1-57411633-C-T.
Other names: c.966G>A (NM_000066.3); c.810G>A, p.Lys270= (NM_001278543.2); c.780G>A, p.Lys260= (NM_001278544.2).
Identifiers: ClinVar variation 1169841 (VCV001169841.11), dbSNP rs369652003, ClinGen allele CA875797.

ClinVar aggregate classification (germline): Benign. Review status: criteria provided, single submitter (1 of 4 stars). 2 submissions from 2 submitters: Benign (1). 1 of the submissions does not count toward it. Last evaluated 2026-01-20.

Conditions:
C8B-related disorder. Also called: C8B-related condition.

Allele frequency attached by ClinVar (database versions not stated): gnomAD 0.00001 and 0.00074; TOPMed 0.00017; gnomAD exomes 0.00282; ExAC 0.00298; 1000 Genomes Project 30x 0.00484; 1000 Genomes Project 0.00599.
gnomAD v4.1: 2,164 of 1,614,150 alleles (0.13%); highest among the groups gnomAD compares: South Asian, 2.2%; 30 homozygotes.

Submissions (2):

Labcorp Genetics (formerly Invitae), Labcorp
Classification: Benign. Last evaluated: 2026-01-20. Review status: criteria provided, single submitter. Criteria: Invitae Variant Classification Sherloc (09022015). Collection method: clinical testing. Allele origin: germline.

PreventionGenetics, part of Exact Sciences
Classification: Benign for C8B-related condition. Last evaluated: 2020-02-14. Review status: no assertion criteria provided. Collection method: clinical testing. Allele origin: germline. Not counted in ClinVar's aggregate classification.
Comment: This variant is classified as benign based on ACMG/AMP sequence variant interpretation guidelines (Richards et al. 2015 PMID: 25741868, with internal and published modifications).